The following is an entry in ClinVar:

NM_000143.4(FH):c.926C>G (p.Pro309Arg)

Gene: FH (fumarate hydratase; minus strand). Cytogenetic location: 1q43.
Variant type: single nucleotide variant.
Coding change: c.926C>G on transcript NM_000143.4 (MANE Select); coding-DNA position 926, C replaced by G.
Protein change: p.Pro309Arg; replaces proline 309 with arginine.
Molecular consequence: missense variant.
Genome position (GRCh38, 1-based): chr1:241,504,224, G>C on the plus strand (C>G on the coding strand, the complement: FH is on the minus strand). VCF-style: chr1-241504224-G-C. GRCh37 (hg19) VCF-style: chr1-241667524-G-C.
Other names: short protein forms P309R.
Identifiers: ClinVar variation 4024839 (VCV004024839.2).

ClinVar aggregate classification (germline): Uncertain significance (1 of 4 stars; one submission).

Conditions:
Hereditary cancer-predisposing syndrome. Also called: Neoplastic Syndromes, Hereditary; Tumor predisposition; Hereditary Cancer Syndrome; Hereditary neoplastic syndrome. Identifiers: Orphanet 140162, MedGen C0027672, MeSH D009386, MONDO:0015356.

Submission:

Ambry Genetics
Classification: Uncertain significance for Hereditary cancer-predisposing syndrome. Last evaluated: 2026-06-16. Review status: criteria provided, single submitter. Criteria: Ambry Variant Classification Scheme 2023. Collection method: clinical testing. Allele origin: germline.
Comment: The p.P309R variant (also known as c.926C>G), located in coding exon 7 of the FH gene, results from a C to G substitution at nucleotide position 926. The proline at codon 309 is replaced by arginine, an amino acid with dissimilar properties. This amino acid position is well conserved in available vertebrate species. In addition, this alteration is predicted to be deleterious by in silico analysis. Based on the available evidence, the clinical significance of this variant remains unclear.